The following is an entry in ClinVar:

NM_144670.6(A2ML1):c.346C>G (p.Gln116Glu)

Genes: A2ML1 (alpha-2-macroglobulin like 1; plus strand), A2ML1-AS1 (A2ML1 antisense RNA 1; minus strand). Cytogenetic location: 12p13.31.
Variant type: single nucleotide variant.
Coding change: c.346C>G on transcript NM_144670.6 (MANE Select); coding-DNA position 346, C replaced by G.
Protein change: p.Gln116Glu; replaces glutamine 116 with glutamic acid.
Molecular consequence: missense variant.
Genome position (GRCh38, 1-based): chr12:8,823,819, C>G. VCF-style: chr12-8823819-C-G. GRCh37 (hg19) VCF-style: chr12-8976415-C-G.
Other names: short protein forms Q116E.
Identifiers: ClinVar variation 665211 (VCV000665211.9), dbSNP rs778697812, ClinGen allele CA6435241.
Genomic context (GRCh38, chr12:8,823,819, plus strand): 5'-ATCCGGGTGTCGGGAGTTGGAAATAACATCAGCTTTGAGGAGAAGAAAAAGGTTCTAATT[C>G]AGAGGCAGGGGAACGGCACCTTTGTACAGACTGACAAACCTCTCTACACCCCAGGGCAGC-3'
Protein context (NP_653271.3, residues 106-126): SFEEKKKVLI[Gln116Glu]RQGNGTFVQT

ClinVar aggregate classification (germline): Uncertain significance (1 of 4 stars; one submission).

Allele frequency attached by ClinVar (database versions not stated): ExAC 0.00002; gnomAD exomes 0.00003.
gnomAD v4.1: 25 of 1,614,118 alleles (0.0015%); highest among the groups gnomAD compares: South Asian, 0.027%; no homozygotes.

Submission:

Labcorp Genetics (formerly Invitae), Labcorp
Classification: Uncertain significance. Last evaluated: 2018-11-10. Review status: criteria provided, single submitter. Criteria: Invitae Variant Classification Sherloc (09022015). Collection method: clinical testing. Allele origin: germline.
Comment: In summary, the available evidence is currently insufficient to determine the role of this variant in disease. Therefore, it has been classified as a Variant of Uncertain Significance. Algorithms developed to predict the effect of missense changes on protein structure and function output the following: SIFT: "Tolerated"; PolyPhen-2: "Benign"; Align-GVGD: "Class C0". The glutamic acid amino acid residue is found in multiple mammalian species, suggesting that this missense change does not adversely affect protein function. These predictions have not been confirmed by published functional studies and their clinical significance is uncertain. This variant has not been reported in the literature in individuals with A2ML1-related disease. This variant is present in population databases (rs778697812, ExAC 0.02%). This sequence change replaces glutamine with glutamic acid at codon 116 of the A2ML1 protein (p.Gln116Glu). The glutamine residue is weakly conserved and there is a small physicochemical difference between glutamine and glutamic acid.